The following is an entry in ClinVar:

ClinVar aggregate classification (germline): Pathogenic/Likely pathogenic. Review status: criteria provided, multiple submitters, no conflicts (2 of 4 stars). 2 submissions from 2 submitters: Pathogenic (1); Likely pathogenic (1). Last evaluated 2025-12-28.

Conditions:
Renal tubular acidosis with progressive nerve deafness. Also called: RENAL TUBULAR ACIDOSIS, AUTOSOMAL RECESSIVE, WITH PROGRESSIVE NERVE DEAFNESS; RTA WITH PROGRESSIVE NERVE DEAFNESS; Distal Renal Tubular Acidosis with Progressive Sensorineural Deafness; renal tubular acidosis, distal, 2, with progressive sensorineural hearing loss. Identifiers: MedGen C0403554, MONDO:0009968, OMIM 267300.

Allele frequency attached by ClinVar (database versions not stated): gnomAD 0.00001; gnomAD exomes 0.00001; ExAC 0.00003.

Submissions (2):

Labcorp Genetics (formerly Invitae), Labcorp
Classification: Pathogenic. Last evaluated: 2025-12-28. Review status: criteria provided, single submitter. Criteria: Invitae Variant Classification Sherloc (09022015). Collection method: clinical testing. Allele origin: germline.
Comment: This sequence change creates a premature translational stop signal (p.Leu12Serfs*8) in the ATP6V1B1 gene. It is expected to result in an absent or disrupted protein product. Loss-of-function variants in ATP6V1B1 are known to be pathogenic (PMID: 9916796, 18368028). This variant is present in population databases (rs782052865, gnomAD 0.004%). This premature translational stop signal has been observed in individual(s) with distal renal tubular acidosis (PMID: 23729491). ClinVar contains an entry for this variant (Variation ID: 2899094). Algorithms developed to predict the effect of sequence changes on RNA splicing suggest that this variant may disrupt the consensus splice site. For these reasons, this variant has been classified as Pathogenic.

Juno Genomics, Hangzhou Juno Genomics, Inc
Classification: Likely pathogenic for Renal tubular acidosis with progressive nerve deafness. Review status: criteria provided, single submitter. Criteria: ACMG Guidelines, 2015. Collection method: clinical testing. Allele origin: germline.
Comment: Null variant in a gene where loss of function (LOF) is a known mechanism of disease.;Absent from controls (or at extremely low frequency if recessive) in Genome Aggregation Database.

Literature cited by the submitters: PubMed 9916796 (cited by Labcorp Genetics (formerly Invitae), Labcorp); PubMed 18368028 (cited by Labcorp Genetics (formerly Invitae), Labcorp); PubMed 23729491 (cited by Labcorp Genetics (formerly Invitae), Labcorp).

NM_001692.4(ATP6V1B1):c.27del (p.Leu12fs)

Gene: ATP6V1B1 (ATPase H+ transporting V1 subunit B1; plus strand). Cytogenetic location: 2p13.3.
Variant type: Deletion.
Coding change: c.27del on transcript NM_001692.4 (MANE Select); coding-DNA position 27, one base deleted (T; older notation c.27delT).
Protein change: p.Leu12fs; shifts the reading frame from leucine 12.
Molecular consequence: frameshift variant.
Genome position (GRCh38, 1-based): chr2:70,935,981, T deleted. VCF-style (leftmost placement, unchanged base first): chr2-70935980-CT-C. GRCh37 (hg19) VCF-style: chr2-71163110-CT-C.
Other names: short protein forms L12fs.
Identifiers: ClinVar variation 2899094 (VCV002899094.5), dbSNP rs782052865, ClinGen allele CA1700811.